The following is an entry in ClinVar:

NM_001394062.1(MACF1):c.21830G>A (p.Arg7277His)

Gene: MACF1 (microtubule actin crosslinking factor 1; plus strand). Cytogenetic location: 1p34.3.
Variant type: single nucleotide variant.
Coding change: c.21830G>A on transcript NM_001394062.1 (MANE Select); coding-DNA position 21830, G replaced by A.
Protein change: p.Arg7277His; replaces arginine 7277 with histidine.
Molecular consequence: missense variant.
Genome position (GRCh38, 1-based): chr1:39,468,673, G>A. VCF-style: chr1-39468673-G-A. GRCh37 (hg19) VCF-style: chr1-39934345-G-A.
Other names: c.9890G>A, p.Arg3297His (NM_001397473.1); c.15635G>A, p.Arg5212His (NM_012090.5); short protein forms R3297H, R5212H, R7277H.
Identifiers: ClinVar variation 3121872 (VCV003121872.1), dbSNP rs2523390707, ClinGen allele CA339776499.

ClinVar aggregate classification (germline): Uncertain significance (1 of 4 stars; one submission).

Conditions:
Inborn genetic diseases. Identifiers: MedGen C0950123, MeSH D030342.

Submission:

Ambry Genetics
Classification: Uncertain significance for Inborn genetic diseases. Last evaluated: 2024-01-25. Review status: criteria provided, single submitter. Criteria: Ambry Variant Classification Scheme 2023. Collection method: clinical testing. Allele origin: germline.
Comment: The c.15635G>A (p.R5212H) alteration is located in exon 92 (coding exon 90) of the MACF1 gene. This alteration results from a G to A substitution at nucleotide position 15635, causing the arginine (R) at amino acid position 5212 to be replaced by a histidine (H). This variant was not reported in population-based cohorts in the Genome Aggregation Database (gnomAD). This amino acid position is highly conserved in available vertebrate species. This missense alteration is located in a region that has a low rate of benign missense variation (Lek, 2016; Firth, 2009). This alteration is predicted to be deleterious by in silico analysis. Based on insufficient or conflicting evidence, the clinical significance of this alteration remains unclear.